The following is an entry in ClinVar:

ClinVar aggregate classification (germline): Conflicting classifications of pathogenicity. Review status: criteria provided, conflicting classifications (1 of 4 stars). 25 submissions from 24 submitters: Uncertain significance (9); Benign (4); Likely benign (8). 4 of the submissions do not count toward it. Last evaluated 2026-05-24.

Conditions:
Inherited breast cancer and ovarian cancer.
BRCA2-related disorder. Also called: BRCA2-related condition; BRCA2-related disorders. Identifiers: MedGen CN239275.
Hereditary cancer-predisposing syndrome. Also called: Hereditary Cancer Syndrome; Tumor predisposition; Neoplastic Syndromes, Hereditary; Hereditary neoplastic syndrome. Identifiers: Orphanet 140162, MedGen C0027672, MeSH D009386, MONDO:0015356.
Hereditary breast ovarian cancer syndrome. Also called: Breast and ovarian cancer; BRCA1- and BRCA2-Associated Hereditary Breast and Ovarian Cancer; Hereditary breast and ovarian cancer; Hereditary breast and ovarian cancer syndrome (HBOC); Hereditary breast and ovarian cancer syndrome; Hereditary breast and/or ovarian cancer syndrome. Identifiers: Orphanet 145, MedGen C0677776, MeSH D061325, MONDO:0003582. Disease mechanism: loss of function.
Fanconi anemia complementation group D1. Also called: BRCA2-Related Fanconi Anemia. Identifiers: Orphanet 319462, MedGen C1838457, MONDO:0011584, OMIM 605724.
Breast-ovarian cancer, familial, susceptibility to, 2 (BROVCA2). Also called: BRCA2 Hereditary Breast and Ovarian Cancer. Identifiers: Orphanet 145, MedGen C2675520, MONDO:0012933, OMIM 612555. Disease mechanism: loss of function.
Familial cancer of breast. Also called: BREAST CANCER, FAMILIAL; hereditary breast carcinoma; Hereditary breast cancer. Identifiers: Orphanet 227535, MedGen C0346153, MONDO:0016419, OMIM 114480. Disease mechanism: loss of function.
Malignant tumor of breast. Also called: Malignant breast neoplasm; Cancer breast. Identifiers: MedGen C0006142, MONDO:0007254. Disease mechanism: loss of function.

Allele frequency attached by ClinVar (database versions not stated): gnomAD exomes 0.00004 and 0.00006; gnomAD 0.00010 and 0.00013; TOPMed 0.00010; 1000 Genomes Project below 0.00001; ExAC 0.00004.
gnomAD v4.1: 102 of 1,613,980 alleles (0.0063%); highest among the groups gnomAD compares: African/African-American, 0.063%; no homozygotes.

Submissions 1 to 16 of 25:

PreventionGenetics, part of Exact Sciences
Classification: Likely benign for BRCA2-related condition. Last evaluated: 2026-05-24. Review status: criteria provided, single submitter. Criteria: ACMG Guidelines, 2015. Collection method: clinical testing. Allele origin: germline.
Comment: This variant is classified as likely benign based on ACMG/AMP sequence variant interpretation guidelines (Richards et al. 2015 PMID: 25741868, with internal and published modifications).

Women's Health and Genetics/Laboratory Corporation of America, LabCorp
Classification: Likely benign. Last evaluated: 2026-03-04. Review status: criteria provided, single submitter. Criteria: LabCorp Variant Classification Summary - May 2015. Collection method: clinical testing. Allele origin: germline.
Comment: Variant summary: BRCA2 c.5414A>G (p.Asn1805Ser) results in a conservative amino acid change in the encoded protein sequence. Algorithms developed to predict the effect of missense changes on protein structure and function all suggest that this variant is likely to be tolerated. The variant allele was found at a frequency of 6.4e-05 in 1614022 control chromosomes, predominantly at a frequency of 0.00063 within the African or African-American subpopulation in the gnomAD database. This frequency is close to the estimated maximum for a pathogenic variant in BRCA2 causing Hereditary Breast And Ovarian Cancer Syndrome (0.00075). The variant was also reported from the southern part of Africa with even higher allele frequencies, e.g. 0.014 (3/208 alleles; in the GenomeAsia 100K database) and 0.027 (Oosthuizen_2021), supporting a benign role for the variant. c.5414A>G has been reported in individuals affected with breast- and/or ovarian cancer (e.g. Soegaard_2008, Pal_2015, Encinas_2018), but was also found in controls (Wagner_1999). . To our knowledge, no experimental evidence demonstrating an impact on protein function has been reported. The following publications have been ascertained in the context of this evaluation (PMID: 10453741, 11929857, 18559594, 26287763, 29854292, 33643918, 33868589). ClinVar contains an entry for this variant (Variation ID: 51858). Based on the evidence outlined above, the variant was classified as likely benign.

Labcorp Genetics (formerly Invitae), Labcorp
Classification: Benign for Hereditary breast ovarian cancer syndrome. Last evaluated: 2026-02-01. Review status: criteria provided, single submitter. Criteria: Invitae Variant Classification Sherloc (09022015). Collection method: clinical testing. Allele origin: germline.

Center for Genomic Medicine, Rigshospitalet, Copenhagen University Hospital
Classification: Benign. Last evaluated: 2025-12-29. Review status: criteria provided, single submitter. Criteria: ACMG Guidelines, 2015. Collection method: clinical testing. Allele origin: germline.
Comment: Classification criteria: BS1, BP1_strong

CeGaT Center for Human Genetics Tuebingen
Classification: Likely benign. Last evaluated: 2025-09-01. Review status: criteria provided, single submitter. Criteria: CeGaT Center For Human Genetics Tuebingen Variant Classification Criteria Version 2. Collection method: clinical testing. Allele origin: germline. Affected: yes. Observed: 1 variant allele.
Comment: BRCA2: BP4

Color Diagnostics, LLC DBA Color Health
Classification: Likely benign for Hereditary cancer-predisposing syndrome. Last evaluated: 2024-11-13. Review status: criteria provided, single submitter. Criteria: ACMG Guidelines, 2015. Collection method: clinical testing. Allele origin: germline.

Genomics and Molecular Medicine Service, East Genomic Laboratory Hub, NHS Genomic Medicine Service
Classification: Benign for Inherited breast cancer and ovarian cancer. Last evaluated: 2024-05-02. Review status: criteria provided, single submitter. Criteria: ACGS Best Practice Guidelines for Variant Classification in Rare Disease 2020. Collection method: clinical testing. Allele origin: germline. Affected: yes.
Comment: BS1_Strong,BP1,BP4

GeneDx
Classification: Uncertain significance. Last evaluated: 2024-03-20. Review status: criteria provided, single submitter. Criteria: GeneDx Variant Classification Process June 2021. Collection method: clinical testing. Allele origin: germline. Affected: yes.
Comment: In silico analysis supports that this missense variant has a deleterious effect on protein structure/function; Also known as 5642A>G; Observed in individuals with breast or ovarian cancer (PMID: 18559594, 26287763, 29854292, 34503154, 37335020, 33471991); This variant is associated with the following publications: (PMID: 29854292, 9971877, 18559594, 11929857, 27527004, 19139070, 10923033, 26287763, 31256854, 33868589, 33643918, 35464868, 34503154, 33471991, 10453741, 37335020)

Institute for Biomarker Research, Medical Diagnostic Laboratories, L.L.C.
Classification: Uncertain significance for Hereditary breast ovarian cancer syndrome. Last evaluated: 2024-02-14. Review status: criteria provided, single submitter. Criteria: ACMG Guidelines, 2015. Collection method: clinical testing. Allele origin: germline.

MGZ Medical Genetics Center
Classification: Likely benign for Familial cancer of breast. Last evaluated: 2024-02-09. Review status: criteria provided, single submitter. Criteria: CSpec BRCA1/2ACMG Rules Specifications V1.1.0. Collection method: clinical testing. Allele origin: germline. Affected: yes.
Comment: ACMG codes applied following ENIGMA VCEP rules: BP1_STR

University of Washington Department of Laboratory Medicine, University of Washington
Classification: Likely benign for Hereditary cancer-predisposing syndrome. Last evaluated: 2023-03-23. Review status: criteria provided, single submitter. Criteria: Dines et al. (Genet Med. 2020). Collection method: curation. Allele origin: germline.
Comment: Missense variant in a coldspot region where missense variants are very unlikely to be pathogenic (PMID:31911673).

BRCA2 exon 11 coldspot. Reclassification based on statistical prior probability.

Quest Diagnostics Nichols Institute San Juan Capistrano
Classification: Likely benign. Last evaluated: 2022-12-03. Review status: criteria provided, single submitter. Criteria: Quest Diagnostics criteria. Collection method: clinical testing. Allele origin: unknown.

Ambry Genetics
Classification: Likely benign for Hereditary cancer-predisposing syndrome. Last evaluated: 2022-09-28. Review status: criteria provided, single submitter. Criteria: Ambry Variant Classification Scheme 2023. Collection method: clinical testing. Allele origin: germline.

National Health Laboratory Service, Universitas Academic Hospital and University of the Free State
Classification: Benign for Hereditary breast ovarian cancer syndrome. Last evaluated: 2022-04-19. Review status: criteria provided, single submitter. Criteria: ACMG Guidelines, 2015. Collection method: clinical testing. Allele origin: germline. Affected: yes. Observed: 80 variant alleles.

Sema4
Classification: Uncertain significance for Hereditary cancer-predisposing syndrome. Last evaluated: 2022-03-18. Review status: criteria provided, single submitter. Criteria: Sema4 Curation Guidelines. Collection method: curation. Allele origin: germline.
Comment: The BRCA2 c.5414A>G (p.N1805S) variant has been reported in heterozygosity in individuals with breast or ovarian cancer, as well as in healthy controls (PMID: 18559594, 26287763, 29854292, 33471991, 33643918, 34503154, 9971877). It is also known as c.5642A>G in the literature.This variant was observed in 9/24942 chromosomes in the African/African American population according to the Genome Aggregation Database (PMID: 32461654). The variant has been reported in ClinVar (Variation ID: 51858). Functional studies have not been performed, and in silico predictions of the variant's effect on protein function are inconclusive. There is no indication that this variant causes disease, but the evidence is insufficient currently to prove that conclusively. Thus, the clinical significance of this variant is currently uncertain.

Revvity Omics, Revvity
Classification: Uncertain significance. Last evaluated: 2021-10-20. Review status: criteria provided, single submitter. Criteria: ACMG Guidelines, 2015. Collection method: clinical testing. Allele origin: germline.

NM_000059.4(BRCA2):c.5414A>G (p.Asn1805Ser)

Gene: BRCA2 (BRCA2 DNA repair associated; plus strand). Cytogenetic location: 13q13.1.
Variant type: single nucleotide variant.
Coding change: c.5414A>G on transcript NM_000059.4 (MANE Select); coding-DNA position 5414, A replaced by G.
Protein change: p.Asn1805Ser; replaces asparagine 1805 with serine.
Molecular consequence: missense variant.
Genome position (GRCh38, 1-based): chr13:32,339,769, A>G. VCF-style: chr13-32339769-A-G. GRCh37 (hg19) VCF-style: chr13-32913906-A-G.
Other names: p.N1805S:AAT>AGT; NP_000050.3:p.Asn1805Ser; short protein forms N1805S.
Identifiers: ClinVar variation 51858 (VCV000051858.76), dbSNP rs80358765, ClinGen allele CA022277.
Genomic context (GRCh38, chr13:32,339,769, plus strand): 5'-CTAGTTTTTCCAAAGTAATATCCAATGTAAAAGATGCAAATGCATACCCACAAACTGTAA[A>G]TGAAGATATTTGCGTTGAGGAACTTGTGACTAGCTCTTCACCCTGCAAAAATAAAAATGC-3'
Protein context (NP_000050.3, residues 1795-1815): KDANAYPQTV[Asn1805Ser]EDICVEELVT